The following is an entry in ClinVar:

NM_005359.6(SMAD4):c.1386AGC[1] (p.Ala464del)

Gene: SMAD4 (SMAD family member 4; plus strand). Cytogenetic location: 18q21.2.
Variant type: Microsatellite.
Coding change: c.1386AGC[1] on transcript NM_005359.6 (MANE Select); one copy of the 3-base unit AGC starting at c.1386; the reference has two copies in a row; one copy, 3 bases deleted; also written c.1389_1391del.
Protein change: p.Ala464del; deletes alanine 464.
Molecular consequence: non-coding transcript variant (on NR_176265.1).
Genome position (GRCh38, 1-based): chr18:51,076,718-51,076,720, AGC deleted; deleting any 3 consecutive bases within chr18:51,076,713-51,076,720 gives the same sequence; the position shown is the placement nearest the transcript's 3' end. VCF-style (leftmost placement, unchanged base first): chr18-51076712-GGCA-G. GRCh37 (hg19) VCF-style: chr18-48603082-GGCA-G.
Other names: c.1386AGC[1], p.Ala464del (NM_001407041.1, NM_001407042.1); c.1389_1391del (NM_005359.6); short protein forms A464del.
Identifiers: ClinVar variation 4758082 (VCV004758082.1).
Genomic context (GRCh38, chr18:51,076,712, plus strand): 5'-TCAGTGTCATCGACAGATGCAGCAGCAGGCGGCTACTGCACAAGCTGCAGCAGCTGCCCA[GGCA>G]GCAGCCGTGGCAGGAAACATCCCTGGCCCAGGATCAGTAGGTGGAATAGCTCCAGCTATC-3'

ClinVar aggregate classification (germline): Uncertain significance (1 of 4 stars; one submission).

Conditions:
Hereditary cancer-predisposing syndrome. Also called: Tumor predisposition; Hereditary Cancer Syndrome; Neoplastic Syndromes, Hereditary; Hereditary neoplastic syndrome. Identifiers: Orphanet 140162, MedGen C0027672, MeSH D009386, MONDO:0015356.

Submission:

Color Diagnostics, LLC DBA Color Health
Classification: Uncertain significance for Hereditary cancer-predisposing syndrome. Last evaluated: 2025-09-03. Review status: criteria provided, single submitter. Criteria: ACMG Guidelines, 2015. Collection method: clinical testing. Allele origin: germline.
Comment: This variant is a single amino acid deletion at codon 464 in exon 11 of the SMAD4 protein. To our knowledge, functional studies have not been reported for this variant. This variant has not been reported in individuals affected with SMAD4-related disorders in the literature. This variant has not been identified in the general population by the Genome Aggregation Database (gnomAD). The available evidence is insufficient to determine the role of this variant in disease conclusively. Therefore, this variant is classified as a Variant of Uncertain Significance.